The following is an entry in ClinVar:

NM_001379500.1(COL18A1):c.2215-7A>T

Gene: COL18A1 (collagen type XVIII alpha 1 chain; plus strand). Cytogenetic location: 21q22.3.
Variant type: single nucleotide variant.
Coding change: c.2215-7A>T on transcript NM_001379500.1 (MANE Select); 7 bases into the intron before coding-DNA position 2215, A replaced by T.
Molecular consequence: intron variant.
Genome position (GRCh38, 1-based): chr21:45,493,156, A>T. VCF-style: chr21-45493156-A-T. GRCh37 (hg19) VCF-style: chr21-46913070-A-T.
Other names: c.3460-7A>T (NM_130444.3); c.2755-7A>T (NM_030582.4).
Identifiers: ClinVar variation 1588984 (VCV001588984.9), dbSNP rs576172127, ClinGen allele CA10066956.

ClinVar aggregate classification (germline): Conflicting classifications of pathogenicity. Review status: criteria provided, conflicting classifications (1 of 4 stars). 2 submissions from 2 submitters: Uncertain significance (1); Likely benign (1). Last evaluated 2025-06-03.

Allele frequency attached by ClinVar (database versions not stated): gnomAD 0.00003; 1000 Genomes Project 30x 0.00016; 1000 Genomes Project 0.00020; ExAC 0.00026.
gnomAD v4.1: 57 of 1,555,328 alleles (0.0037%); highest among the groups gnomAD compares: South Asian, 0.057%; no homozygotes.

Submissions (2):

Labcorp Genetics (formerly Invitae), Labcorp
Classification: Likely benign. Last evaluated: 2025-06-03. Review status: criteria provided, single submitter. Criteria: Invitae Variant Classification Sherloc (09022015). Collection method: clinical testing. Allele origin: germline.

Women's Health and Genetics/Laboratory Corporation of America, LabCorp
Classification: Uncertain significance. Last evaluated: 2024-08-09. Review status: criteria provided, single submitter. Criteria: LabCorp Variant Classification Summary - May 2015. Collection method: clinical testing. Allele origin: germline.
Comment: Variant summary: COL18A1 c.2215-7A>T alters a non-conserved nucleotide located close to a canonical splice site and therefore could affect mRNA splicing, leading to a significantly altered protein sequence. Consensus agreement among computation tools predict no significant impact on normal splicing. However, these predictions have yet to be confirmed by functional studies. The variant allele was found at a frequency of 0.00014 in 160730 control chromosomes. This frequency is not significantly higher than estimated for a pathogenic variant in COL18A1 causing Knobloch Syndrome 1, allowing no conclusion about variant significance. To our knowledge, no occurrence of c.2215-7A>T in individuals affected with Knobloch Syndrome 1 and no experimental evidence demonstrating its impact on protein function have been reported. ClinVar contains an entry for this variant (Variation ID: 1588984). Based on the evidence outlined above, the variant was classified as uncertain significance.